The following is an entry in ClinVar:

ClinVar aggregate classification (germline): Benign/Likely benign. Review status: criteria provided, multiple submitters, no conflicts (2 of 4 stars). 8 submissions from 8 submitters: Benign (1); Likely benign (5). 2 of the submissions do not count toward it. Last evaluated 2026-05-01.

Conditions:
Bethlem myopathy 2 (BTHLM2). Identifiers: Orphanet 536516, Orphanet 610, MedGen C4225313, MONDO:0034022, OMIM 616471.
Ullrich congenital muscular dystrophy 2 (UCMD2). Identifiers: Orphanet 75840, MedGen C4225314, MONDO:0014654, OMIM 616470.

Allele frequency attached by ClinVar (database versions not stated): gnomAD 0.00024 and 0.00026; ExAC 0.00032; ESP Exome Variant Server 0.00033; gnomAD exomes 0.00038 and 0.00039; TOPMed 0.00039.
gnomAD v4.1: 610 of 1,614,082 alleles (0.038%); highest among the groups gnomAD compares: Middle Eastern, 0.12%; 1 homozygote.

Submissions (8):

CeGaT Center for Human Genetics Tuebingen
Classification: Likely benign. Last evaluated: 2026-05-01. Review status: criteria provided, single submitter. Criteria: CeGaT Center For Human Genetics Tuebingen Variant Classification Criteria Version 2. Collection method: clinical testing. Allele origin: germline. Affected: yes. Observed: 3 variant alleles.
Comment: COL12A1: BP4, BP7

Labcorp Genetics (formerly Invitae), Labcorp
Classification: Benign for Bethlem myopathy 2; Ullrich congenital muscular dystrophy 2. Last evaluated: 2026-02-01. Review status: criteria provided, single submitter. Criteria: Invitae Variant Classification Sherloc (09022015). Collection method: clinical testing. Allele origin: germline.

Mayo Clinic Laboratories, Mayo Clinic
Classification: Likely benign. Last evaluated: 2025-07-29. Review status: criteria provided, single submitter. Criteria: ACMG Guidelines, 2015. Collection method: clinical testing. Allele origin: germline. Observed: 4 variant alleles.
Comment: BP4, BP7

Women's Health and Genetics/Laboratory Corporation of America, LabCorp
Classification: Likely benign. Last evaluated: 2025-06-16. Review status: criteria provided, single submitter. Criteria: LabCorp Variant Classification Summary - May 2015. Collection method: clinical testing. Allele origin: germline.

Blueprint Genetics
Classification: Likely benign. Last evaluated: 2024-11-01. Review status: criteria provided, single submitter. Criteria: ACMG Guidelines, 2015. Collection method: clinical testing. Allele origin: germline.

GeneDx
Classification: Likely benign. Last evaluated: 2021-06-08. Review status: criteria provided, single submitter. Criteria: GeneDx Variant Classification Process June 2021. Collection method: clinical testing. Allele origin: germline. Affected: yes.

Genome Diagnostics Laboratory, Amsterdam University Medical Center
Classification: Likely benign. Review status: no assertion criteria provided. Collection method: clinical testing. Allele origin: germline. Affected: yes. Study: VKGL Data-share Consensus. Not counted in ClinVar's aggregate classification.

Genome Diagnostics Laboratory, University Medical Center Utrecht
Classification: Likely benign. Review status: no assertion criteria provided. Collection method: clinical testing. Allele origin: germline. Affected: yes. Study: VKGL Data-share Consensus. Not counted in ClinVar's aggregate classification.

NM_004370.6(COL12A1):c.8622A>G (p.Pro2874=)

Gene: COL12A1 (collagen type XII alpha 1 chain; minus strand). Cytogenetic location: 6q13.
Variant type: single nucleotide variant.
Coding change: c.8622A>G on transcript NM_004370.6 (MANE Select); coding-DNA position 8622, A replaced by G.
Protein change: p.Pro2874=; no amino-acid change (proline 2874 retained).
Molecular consequence: synonymous variant.
Genome position (GRCh38, 1-based): chr6:75,095,135, T>C on the plus strand (A>G on the coding strand, the complement: COL12A1 is on the minus strand). VCF-style: chr6-75095135-T-C. GRCh37 (hg19) VCF-style: chr6-75804851-T-C.
Other names: p.Pro2874=; c.5130A>G, p.Pro1710= (NM_080645.3).
Identifiers: ClinVar variation 475904 (VCV000475904.43), dbSNP rs368321891, ClinGen allele CA3892186.